The following is an entry in ClinVar:

ClinVar aggregate classification (germline): Pathogenic (1 of 4 stars; one submission).

Conditions:
Hereditary cancer-predisposing syndrome. Also called: Hereditary Cancer Syndrome; Neoplastic Syndromes, Hereditary; Hereditary neoplastic syndrome; Tumor predisposition. Identifiers: Orphanet 140162, MedGen C0027672, MeSH D009386, MONDO:0015356.

Submission:

Ambry Genetics
Classification: Pathogenic for Hereditary cancer-predisposing syndrome. Last evaluated: 2015-07-11. Review status: criteria provided, single submitter. Criteria: Ambry Autosomal Dominant and X-Linked criteria (10/2015). Collection method: clinical testing. Allele origin: germline. Observed: 1 variant allele.
Comment: Lines of evidence used in support of classification: Alterations resulting in premature truncation (e.g.reading frame shift, nonsense)

NM_130799.2(MEN1):c.1391_1392ins13 (p.?)

Gene: MEN1 (menin 1; minus strand). Cytogenetic location: 11q13.1.
Variant type: Insertion.
Coding change: c.1391_1392ins13 on transcript NM_130799.2; coding-DNA positions 1391 to 1392, an insertion.
Protein change: p.?.
Identifiers: ClinVar variation 428063 (VCV000428063.2).